The following is an entry in ClinVar:

ClinVar aggregate classification (germline): Likely benign. Review status: criteria provided, single submitter (1 of 4 stars). 2 submissions from 2 submitters: Likely benign (1). 1 of the submissions does not count toward it. Last evaluated 2019-12-31.

Conditions:
LRP1B-related disorder. Also called: LRP1B-related condition.

Allele frequency attached by ClinVar (database versions not stated): ExAC 0.00043; TOPMed 0.00164; 1000 Genomes Project 0.00220; ESP Exome Variant Server 0.00154; gnomAD 0.00157 and 0.00164; 1000 Genomes Project 30x 0.00265; gnomAD exomes 0.00015 and 0.00041.
gnomAD v4.1: 462 of 1,541,312 alleles (0.03%); highest among the groups gnomAD compares: African/African-American, 0.52%; 2 homozygotes.

Submissions (2):

Labcorp Genetics (formerly Invitae), Labcorp
Classification: Likely benign. Last evaluated: 2019-12-31. Review status: criteria provided, single submitter. Criteria: Invitae Variant Classification Sherloc (09022015). Collection method: clinical testing. Allele origin: germline.

PreventionGenetics, part of Exact Sciences
Classification: Likely benign for LRP1B-related condition. Last evaluated: 2019-10-28. Review status: no assertion criteria provided. Collection method: clinical testing. Allele origin: germline. Not counted in ClinVar's aggregate classification.
Comment: This variant is classified as likely benign based on ACMG/AMP sequence variant interpretation guidelines (Richards et al. 2015 PMID: 25741868, with internal and published modifications).

NM_018557.3(LRP1B):c.12497G>A (p.Arg4166His)

Gene: LRP1B (LDL receptor related protein 1B; minus strand). Cytogenetic location: 2q22.1.
Variant type: single nucleotide variant.
Coding change: c.12497G>A on transcript NM_018557.3 (MANE Select); coding-DNA position 12497, G replaced by A.
Protein change: p.Arg4166His; replaces arginine 4166 with histidine.
Molecular consequence: missense variant.
Genome position (GRCh38, 1-based): chr2:140,323,910, C>T on the plus strand (G>A on the coding strand, the complement: LRP1B is on the minus strand). VCF-style: chr2-140323910-C-T. GRCh37 (hg19) VCF-style: chr2-141081479-C-T.
Other names: short protein forms R4166H.
Identifiers: ClinVar variation 720730 (VCV000720730.6), dbSNP rs139908062, ClinGen allele CA1892802.